The following is an entry in ClinVar:

ClinVar aggregate classification (germline): Uncertain significance (1 of 4 stars; one submission).

Submission:

Ambry Genetics
Classification: Uncertain significance. Last evaluated: 2022-01-29. Review status: criteria provided, single submitter. Criteria: Ambry Variant Classification Scheme 2023. Collection method: clinical testing. Allele origin: germline.
Comment: The p.A480P variant (also known as c.1438G>C), located in coding exon 3 of the ALPK2 gene, results from a G to C substitution at nucleotide position 1438. The alanine at codon 480 is replaced by proline, an amino acid with highly similar properties. This amino acid position is conserved. In addition, this alteration is predicted to be tolerated by in silico analysis. Since supporting evidence is limited at this time, the clinical significance of this alteration remains unclear.

NM_052947.4(ALPK2):c.1438G>C (p.Ala480Pro)

Gene: ALPK2 (alpha kinase 2; minus strand). Cytogenetic location: 18q21.31.
Variant type: single nucleotide variant.
Coding change: c.1438G>C on transcript NM_052947.4 (MANE Select); coding-DNA position 1438, G replaced by C.
Protein change: p.Ala480Pro; replaces alanine 480 with proline.
Molecular consequence: missense variant.
Genome position (GRCh38, 1-based): chr18:58,579,338, C>G on the plus strand (G>C on the coding strand, the complement: ALPK2 is on the minus strand). VCF-style: chr18-58579338-C-G. GRCh37 (hg19) VCF-style: chr18-56246570-C-G.
Other names: short protein forms A480P.
Identifiers: ClinVar variation 1772652 (VCV001772652.2), dbSNP rs2518898965, ClinGen allele CA402563018.